The following is an entry in ClinVar:

ClinVar aggregate classification (germline): Conflicting classifications of pathogenicity. Review status: criteria provided, conflicting classifications (1 of 4 stars). 2 submissions from 2 submitters: Uncertain significance (1); Likely benign (1). Last evaluated 2026-01-08.

Allele frequency attached by ClinVar (database versions not stated): gnomAD exomes 0.00003 and 0.00008; ExAC 0.00007; ESP Exome Variant Server 0.00008; gnomAD 0.00009; TOPMed 0.00012; 1000 Genomes Project 0.00040; 1000 Genomes Project 30x 0.00062.
gnomAD v4.1: 56 of 1,613,138 alleles (0.0035%); highest among the groups gnomAD compares: Admixed American, 0.043%; no homozygotes.

Submissions (2):

Labcorp Genetics (formerly Invitae), Labcorp
Classification: Uncertain significance. Last evaluated: 2026-01-08. Review status: criteria provided, single submitter. Criteria: Invitae Variant Classification Sherloc (09022015). Collection method: clinical testing. Allele origin: germline.
Comment: This sequence change affects codon 419 of the PITPNM3 mRNA. It is a 'silent' change, meaning that it does not change the encoded amino acid sequence of the PITPNM3 protein. It affects a nucleotide within the consensus splice site. This variant is present in population databases (rs199601381, gnomAD 0.04%), and has an allele count higher than expected for a pathogenic variant. This variant has not been reported in the literature in individuals affected with PITPNM3-related conditions. ClinVar contains an entry for this variant (Variation ID: 1060516). Algorithms developed to predict the effect of sequence changes on RNA splicing suggest that this variant is not likely to affect RNA splicing. In summary, the available evidence is currently insufficient to determine the role of this variant in disease. Therefore, it has been classified as a Variant of Uncertain Significance.

Blueprint Genetics
Classification: Likely benign. Last evaluated: 2024-09-06. Review status: criteria provided, single submitter. Criteria: ACMG Guidelines, 2015. Collection method: clinical testing. Allele origin: germline.

NM_031220.4(PITPNM3):c.1257C>T (p.Asp419=)

Gene: PITPNM3 (PITPNM family member 3; minus strand). Cytogenetic location: 17p13.2.
Variant type: single nucleotide variant.
Coding change: c.1257C>T on transcript NM_031220.4 (MANE Select); coding-DNA position 1257, C replaced by T.
Protein change: p.Asp419=; no amino-acid change (aspartic acid 419 retained).
Molecular consequence: synonymous variant.
Genome position (GRCh38, 1-based): chr17:6,474,433, G>A on the plus strand (C>T on the coding strand, the complement: PITPNM3 is on the minus strand). VCF-style: chr17-6474433-G-A. GRCh37 (hg19) VCF-style: chr17-6377753-G-A.
Other names: c.1149C>T, p.Asp383= (NM_001165966.2).
Identifiers: ClinVar variation 1060516 (VCV001060516.10), dbSNP rs199601381, ClinGen allele CA8329571.